The following is an entry in ClinVar:

ClinVar aggregate classification (germline): Likely benign (1 of 4 stars; one submission).

Submission:

GeneDx
Classification: Likely benign. Last evaluated: 2016-02-19. Review status: criteria provided, single submitter. Criteria: GeneDx Variant Classification (06012015). Collection method: clinical testing. Allele origin: germline. Affected: yes.
Comment: This variant is considered likely benign or benign based on one or more of the following criteria: it is a conservative change, it occurs at a poorly conserved position in the protein, it is predicted to be benign by multiple in silico algorithms, and/or has population frequency not consistent with disease.

NM_030962.4(SBF2):c.5319+7C>T

Genes: SBF2 (SET binding factor 2; minus strand), SBF2-AS1 (SBF2 antisense RNA 1; plus strand), LOC105369149 (uncharacterized LOC105369149; plus strand). Cytogenetic location: 11p15.4.
Variant type: single nucleotide variant.
Coding change: c.5319+7C>T on transcript NM_030962.4 (MANE Select); 7 bases into the intron after coding-DNA position 5319, C replaced by T.
Molecular consequence: intron variant.
Genome position (GRCh38, 1-based): chr11:9,784,344, G>A on the plus strand (C>T on the coding strand, the complement: SBF2 is on the minus strand). VCF-style: chr11-9784344-G-A. GRCh37 (hg19) VCF-style: chr11-9805891-G-A.
Other names: c.5190+7C>T (NM_001386342.1); c.5415+7C>T (NM_001386339.1).
Identifiers: ClinVar variation 383580 (VCV000383580.1), dbSNP rs1057521682, ClinGen allele CA16607039.